The following is an entry in ClinVar:

ClinVar aggregate classification (germline): Uncertain significance (1 of 4 stars; one submission).

Submission:

GeneDx
Classification: Uncertain significance. Last evaluated: 2023-12-18. Review status: criteria provided, single submitter. Criteria: GeneDx Variant Classification Process June 2021. Collection method: clinical testing. Allele origin: germline. Affected: yes.
Comment: Not observed at significant frequency in large population cohorts (gnomAD); In silico analysis supports that this missense variant does not alter protein structure/function; Has not been previously published as pathogenic or benign to our knowledge

NM_030665.4(RAI1):c.2347G>C (p.Asp783His)

Gene: RAI1 (retinoic acid induced 1; plus strand). Cytogenetic location: 17p11.2.
Variant type: single nucleotide variant.
Coding change: c.2347G>C on transcript NM_030665.4 (MANE Select); coding-DNA position 2347, G replaced by C.
Protein change: p.Asp783His; replaces aspartic acid 783 with histidine.
Molecular consequence: missense variant.
Genome position (GRCh38, 1-based): chr17:17,795,295, G>C. VCF-style: chr17-17795295-G-C. GRCh37 (hg19) VCF-style: chr17-17698609-G-C.
Other names: short protein forms D783H.
Identifiers: ClinVar variation 3369942 (VCV003369942.1).